The following is an entry in ClinVar:

NM_003803.4(MYOM1):c.1022G>C (p.Gly341Ala)

Gene: MYOM1 (myomesin 1; minus strand). Cytogenetic location: 18p11.31.
Variant type: single nucleotide variant.
Coding change: c.1022G>C on transcript NM_003803.4 (MANE Select); coding-DNA position 1022, G replaced by C.
Protein change: p.Gly341Ala; replaces glycine 341 with alanine.
Molecular consequence: missense variant.
Genome position (GRCh38, 1-based): chr18:3,176,042, C>G on the plus strand (G>C on the coding strand, the complement: MYOM1 is on the minus strand). VCF-style: chr18-3176042-C-G. GRCh37 (hg19) VCF-style: chr18-3176040-C-G.
Other names: c.1022G>C, p.Gly341Ala (NM_019856.2); short protein forms G341A.
Identifiers: ClinVar variation 226796 (VCV000226796.19), dbSNP rs8099021, ClinGen allele CA8875097.

ClinVar aggregate classification (germline): Benign. Review status: criteria provided, multiple submitters, no conflicts (2 of 4 stars). 5 submissions from 5 submitters: Benign (5). Last evaluated 2026-02-04.

Conditions:
Hypertrophic cardiomyopathy. Also called: HYPERTROPHIC MYOCARDIOPATHY. Identifiers: Orphanet 217569, MedGen C0007194, MeSH D002312, MONDO:0005045, HP:0001639.

Allele frequency attached by ClinVar (database versions not stated): ESP Exome Variant Server 0.74563; TOPMed 0.74930; 1000 Genomes Project 0.75719; 1000 Genomes Project 30x 0.75968.
gnomAD v4.1: 1,125,478 of 1,549,978 alleles (73%); highest among the groups gnomAD compares: African/African-American, 80%; 410,464 homozygotes.

Submissions (5):

Labcorp Genetics (formerly Invitae), Labcorp
Classification: Benign for Hypertrophic cardiomyopathy. Last evaluated: 2026-02-04. Review status: criteria provided, single submitter. Criteria: Invitae Variant Classification Sherloc (09022015). Collection method: clinical testing. Allele origin: germline.

Ambry Genetics
Classification: Benign. Last evaluated: 2019-02-07. Review status: criteria provided, single submitter. Criteria: Ambry Variant Classification Scheme 2023. Collection method: clinical testing. Allele origin: germline.

GeneDx
Classification: Benign. Last evaluated: 2018-06-13. Review status: criteria provided, single submitter. Criteria: GeneDx Variant Classification (06012015). Collection method: clinical testing. Allele origin: germline. Affected: yes.
Comment: This variant is considered likely benign or benign based on one or more of the following criteria: it is a conservative change, it occurs at a poorly conserved position in the protein, it is predicted to be benign by multiple in silico algorithms, and/or has population frequency not consistent with disease.

Laboratory for Molecular Medicine, Mass General Brigham Personalized Medicine
Classification: Benign. Last evaluated: 2014-11-26. Review status: criteria provided, single submitter. Criteria: LMM Criteria. Collection method: clinical testing. Allele origin: germline. Observed: 471 variant alleles.
Comment: This is a RefSeq error. The reference base (c.1022G) is the minor allele. This a llele (G) has been identified in 28% (2372/8340) of European American chromosome s and 19% (769/4008) of African American chromosomes by the NHLBI Exome Sequenci ng Project (dbSNP rs8099021) and thus meets c riteria to be classified as benign.

Breakthrough Genomics
Classification: Benign. Review status: criteria provided, single submitter. Criteria: ACMG Guidelines, 2015. Collection method: not provided. Allele origin: germline. Inheritance: Unknown mechanism. Affected: yes.